The following is an entry in ClinVar:

NM_000554.6(CRX):c.*2602C>T

Gene: CRX (cone-rod homeobox; plus strand). Cytogenetic location: 19q13.33.
Variant type: single nucleotide variant.
Coding change: c.*2602C>T on transcript NM_000554.6 (MANE Select); 2602 bases downstream of the stop codon, C replaced by T.
Molecular consequence: 3 prime UTR variant.
Genome position (GRCh38, 1-based): chr19:47,842,569, C>T. VCF-style: chr19-47842569-C-T. GRCh37 (hg19) VCF-style: chr19-48345826-C-T.
Identifiers: ClinVar variation 329767 (VCV000329767.5), dbSNP rs562310108, ClinGen allele CA10652174.

ClinVar aggregate classification (germline): Benign/Likely benign. Review status: criteria provided, single submitter (1 of 4 stars). 3 submissions from 1 submitter: Benign (2); Likely benign (1). Last evaluated 2018-01-13.

Conditions:
Leber congenital amaurosis 7 (LCA7). Identifiers: Orphanet 65, MedGen C3151192, MONDO:0013449, OMIM 613829.
Retinitis pigmentosa (RP). Identifiers: Orphanet 791, MedGen C0035334, MeSH D012174, MONDO:0019200, OMIM 268000. Inheritance: Autosomal dominant, autosomal recessive and X linked inheritance.
Cone-rod dystrophy 2 (CORD2). Also called: CONE-ROD RETINAL DYSTROPHY; Cone-rod retinal dystrophy 2. Identifiers: Orphanet 1872, MedGen C3489532, MONDO:0007362, OMIM 120970.

Allele frequency attached by ClinVar (database versions not stated): 1000 Genomes Project 0.00759; gnomAD 0.00012 and 0.00077; TOPMed 0.00027; 1000 Genomes Project 30x 0.00718.
gnomAD v4.1: 116 of 152,238 alleles (0.076%); highest among the groups gnomAD compares: South Asian, 2.1%; 2 homozygotes.

Submissions (3):

Illumina Laboratory Services, Illumina
Classification: Benign for Retinitis pigmentosa. Last evaluated: 2018-01-13. Review status: criteria provided, single submitter. Criteria: ICSL Variant Classification Criteria 13 December 2019. Collection method: clinical testing. Allele origin: germline.
Comment: This variant was observed in the ICSL laboratory as part of a predisposition screen in an ostensibly healthy population. It had not been previously curated by ICSL or reported in the Human Gene Mutation Database (HGMD: prior to June 1st, 2018), and was therefore a candidate for classification through an automated scoring system. Utilizing variant allele frequency, disease prevalence and penetrance estimates, and inheritance mode, an automated score was calculated to assess if this variant is too frequent to cause the disease. Based on the score and internal cut-off values, a variant classified as benign is not then subjected to further curation. The score for this variant resulted in a classification of benign for this disease.

Illumina Laboratory Services, Illumina
Classification: Benign for Cone-rod dystrophy 2. Last evaluated: 2018-01-13. Review status: criteria provided, single submitter. Criteria: ICSL Variant Classification Criteria 13 December 2019. Collection method: clinical testing. Allele origin: germline.
Comment: the same text as in the submission from Illumina Laboratory Services, Illumina above.

Illumina Laboratory Services, Illumina
Classification: Likely benign for Leber congenital amaurosis 7. Last evaluated: 2018-01-13. Review status: criteria provided, single submitter. Criteria: ICSL Variant Classification Criteria 13 December 2019. Collection method: clinical testing. Allele origin: germline.
Comment: This variant was observed in the ICSL laboratory as part of a predisposition screen in an ostensibly healthy population. It had not been previously curated by ICSL or reported in the Human Gene Mutation Database (HGMD: prior to June 1st, 2018), and was therefore a candidate for classification through an automated scoring system. Utilizing variant allele frequency, disease prevalence and penetrance estimates, and inheritance mode, an automated score was calculated to assess if this variant is too frequent to cause the disease. Based on the score and internal cut-off values, a variant classified as likely benign is not then subjected to further curation. The score for this variant resulted in a classification of likely benign for this disease.